The following is an entry in ClinVar:

NM_001148.6(ANK2):c.1680C>T (p.Thr560=)

Gene: ANK2 (ankyrin 2; plus strand). Cytogenetic location: 4q26.
Variant type: single nucleotide variant.
Coding change: c.1680C>T on transcript NM_001148.6 (MANE Select); coding-DNA position 1680, C replaced by T.
Protein change: p.Thr560=; no amino-acid change (threonine 560 retained).
Molecular consequence: synonymous variant.
Genome position (GRCh38, 1-based): chr4:113,274,646, C>T. VCF-style: chr4-113274646-C-T. GRCh37 (hg19) VCF-style: chr4-114195802-C-T.
Other names: p.T560T:ACC>ACT; c.1395C>T, p.Thr465= (NM_001354277.2, NM_001386157.1, NM_001386158.1); c.1593C>T, p.Thr531= (NM_001386142.1, NM_001386146.1, NM_001386149.1 and 13 more transcripts); c.1617C>T, p.Thr539= (NM_001386143.1, NM_001386156.1, NM_001386161.1 and 14 more transcripts); c.1725C>T, p.Thr575= (NM_001386144.1, NM_001386152.1, NM_001354230.2 and 5 more transcripts); c.1638C>T, p.Thr546= (NM_001386147.1, NM_001386160.1, NM_001354261.2); c.1668C>T, p.Thr556= (NM_001386148.2, NM_001386186.2); c.1731C>T, p.Thr577= (NM_001386174.1); and 5 more.
Identifiers: ClinVar variation 190520 (VCV000190520.12), dbSNP rs752903781, ClinGen allele CA300682.
Genomic context (GRCh38, chr4:113,274,646, plus strand): 5'-GGGCCAGGTGGATGTGGCATCAGTCCTATTGGAAGCAGGAGCAGCCCACTCCTTAGCTAC[C>T]AAGGTAAGGAGAATGACATCATGAGAACATGGACCAAGAGGATTCCTAAGTCATGGCCTT-3'
Protein context (NP_001139.3, residues 550-570): LEAGAAHSLA[Thr560=]KKGFTPLHVA

ClinVar aggregate classification (germline): Benign/Likely benign. Review status: criteria provided, multiple submitters, no conflicts (2 of 4 stars). 5 submissions from 5 submitters: Benign (3); Likely benign (2). Last evaluated 2024-12-20.

Conditions:
Cardiovascular phenotype. Identifiers: MedGen CN230736.
Long QT syndrome (LQTS). Identifiers: MedGen C0023976, MeSH D008133, MONDO:0002442. Disease mechanism: loss of function. Inheritance: Various modes of inheritance.
Cardiac arrhythmia, ankyrin-B-related. Also called: ANKYRIN-B SYNDROME. Identifiers: Orphanet 101016, Orphanet 768, MedGen C1970119, MONDO:0010958, OMIM 600919.

Allele frequency attached by ClinVar (database versions not stated): ExAC 0.00005; gnomAD 0.00002 and 0.00003; TOPMed 0.00003; gnomAD exomes 0.00005.
gnomAD v4.1: 66 of 1,613,700 alleles (0.0041%); highest among the groups gnomAD compares: South Asian, 0.034%; no homozygotes.

Submissions (5):

Ambry Genetics
Classification: Likely benign for Cardiovascular phenotype. Last evaluated: 2024-12-20. Review status: criteria provided, single submitter. Criteria: Ambry Variant Classification Scheme 2023. Collection method: clinical testing. Allele origin: germline.

Labcorp Genetics (formerly Invitae), Labcorp
Classification: Likely benign for Long QT syndrome. Last evaluated: 2023-10-12. Review status: criteria provided, single submitter. Criteria: Invitae Variant Classification Sherloc (09022015). Collection method: clinical testing. Allele origin: germline.

Genome-Nilou Lab
Classification: Benign for Cardiac arrhythmia, ankyrin-B-related. Last evaluated: 2021-12-05. Review status: criteria provided, single submitter. Criteria: ACMG Guidelines, 2015. Collection method: clinical testing. Allele origin: germline. Affected: no.

Women's Health and Genetics/Laboratory Corporation of America, LabCorp
Classification: Benign. Last evaluated: 2016-05-02. Review status: criteria provided, single submitter. Criteria: LabCorp Variant Classification Summary - May 2015. Collection method: clinical testing. Allele origin: germline.
Comment: Variant summary: The ANK2 c.1680C>T variant affects a non-conserved nucleotide, resulting in no amino acid change. Mutation Taster predicts a damaging outcome for this variant. 4/5 programs in Alamut predict that this variant does not affect normal splicing, however no functional studies supporting this notion were published at the time of evaluation. This variant was found in 6/119876 control chromosomes at a frequency of 0.0000501, which is about 5 times the maximal expected frequency of a pathogenic ANK2 allele (0.00001), suggesting this variant is benign. In addition, one clinical laboratory classified this variant as benign without providing evidence to independently evaluate. The variant of interest has not, to our knowledge, been reported in affected individuals via publications and/or reputable databases/clinical laboratories. Taken together, this variant was classified as benign.

GeneDx
Classification: Benign. Last evaluated: 2014-07-15. Review status: criteria provided, single submitter. Criteria: GeneDx Variant Classification (06012015). Collection method: clinical testing. Allele origin: germline. Affected: yes.
Comment: This variant is considered likely benign or benign based on one or more of the following criteria: it is a conservative change, it occurs at a poorly conserved position in the protein, it is predicted to be benign by multiple in silico algorithms, and/or has population frequency not consistent with disease.